The following is an entry in ClinVar:

ClinVar aggregate classification (germline): Uncertain significance (1 of 4 stars; one submission).

Conditions:
Inborn genetic diseases. Identifiers: MedGen C0950123, MeSH D030342.

Submission:

Ambry Genetics
Classification: Uncertain significance for Inborn genetic diseases. Last evaluated: 2025-04-14. Review status: criteria provided, single submitter. Criteria: Ambry Variant Classification Scheme 2023. Collection method: clinical testing. Allele origin: germline.
Comment: The p.P269S variant (also known as c.805C>T), located in coding exon 2 of the SH2B3 gene, results from a C to T substitution at nucleotide position 805. The proline at codon 269 is replaced by serine, an amino acid with similar properties. This amino acid position is conserved. In addition, this alteration is predicted to be deleterious by in silico analysis. Based on the available evidence, the clinical significance of this variant remains unclear.

NM_005475.3(SH2B3):c.805C>T (p.Pro269Ser)

Gene: SH2B3 (SH2B adaptor protein 3; plus strand). Cytogenetic location: 12q24.12.
Variant type: single nucleotide variant.
Coding change: c.805C>T on transcript NM_005475.3 (MANE Select); coding-DNA position 805, C replaced by T.
Protein change: p.Pro269Ser; replaces proline 269 with serine.
Molecular consequence: missense variant.
Genome position (GRCh38, 1-based): chr12:111,446,825, C>T. VCF-style: chr12-111446825-C-T. GRCh37 (hg19) VCF-style: chr12-111884629-C-T.
Other names: c.199C>T, p.Pro67Ser (NM_001291424.1); short protein forms P269S, P67S.
Identifiers: ClinVar variation 3953451 (VCV003953451.1).